The following is an entry in ClinVar:

ClinVar aggregate classification (germline): Benign/Likely benign. Review status: criteria provided, multiple submitters, no conflicts (2 of 4 stars). 9 submissions from 9 submitters: Benign (3); Likely benign (6). Last evaluated 2026-05-21.

Conditions:
Hereditary cancer-predisposing syndrome. Also called: Tumor predisposition; Hereditary neoplastic syndrome; Neoplastic Syndromes, Hereditary; Hereditary Cancer Syndrome. Identifiers: Orphanet 140162, MedGen C0027672, MeSH D009386, MONDO:0015356.
Neurofibromatosis, type 1 (NF1). Also called: Neurofibromatosis, type I; NEUROFIBROMATOSIS, TYPE I, SOMATIC; VON RECKLINGHAUSEN DISEASE; Peripheral type neurofibromatosis. Identifiers: Orphanet 636, MedGen C0027831, MONDO:0018975, OMIM 162200. Disease mechanism: loss of function.

Allele frequency attached by ClinVar (database versions not stated): gnomAD exomes 0.00004 and 0.00002; gnomAD 0.00023 and 0.00026; ESP Exome Variant Server 0.00031; TOPMed 0.00026; ExAC 0.00005.

Submissions (9):

Myriad Genetics, Inc.
Classification: Benign for Neurofibromatosis, type 1. Last evaluated: 2026-05-21. Review status: criteria provided, single submitter. Criteria: Myriad Autosomal Dominant, Autosomal Recessive and X-Linked Classification Criteria (2023). Collection method: clinical testing. Allele origin: unknown.
Comment: This variant is considered benign. This variant is a silent/synonymous amino acid change and it is not expected to impact splicing.

Labcorp Genetics (formerly Invitae), Labcorp
Classification: Likely benign for Neurofibromatosis, type 1. Last evaluated: 2026-01-26. Review status: criteria provided, single submitter. Criteria: Invitae Variant Classification Sherloc (09022015). Collection method: clinical testing. Allele origin: germline.

Genome-Nilou Lab
Classification: Benign for Neurofibromatosis, type 1. Last evaluated: 2022-03-15. Review status: criteria provided, single submitter. Criteria: ACMG Guidelines, 2015. Collection method: clinical testing. Allele origin: germline. Affected: no.

Genetic Services Laboratory, University of Chicago
Classification: Likely benign. Last evaluated: 2021-12-23. Review status: criteria provided, single submitter. Criteria: ACMG Guidelines, 2015. Collection method: clinical testing. Allele origin: germline. Affected: no.

Sema4
Classification: Likely benign for Hereditary cancer-predisposing syndrome. Last evaluated: 2021-06-19. Review status: criteria provided, single submitter. Criteria: Sema4 Curation Guidelines. Collection method: curation. Allele origin: germline.

GeneDx
Classification: Likely benign. Last evaluated: 2021-05-11. Review status: criteria provided, single submitter. Criteria: GeneDx Variant Classification Process June 2021. Collection method: clinical testing. Allele origin: germline. Affected: yes.

ARUP Laboratories, Molecular Genetics and Genomics, ARUP Laboratories
Classification: Likely benign. Last evaluated: 2019-10-11. Review status: criteria provided, single submitter. Criteria: ARUP Molecular Germline Variant Investigation Process. Collection method: clinical testing. Allele origin: germline.

Women's Health and Genetics/Laboratory Corporation of America, LabCorp
Classification: Benign. Last evaluated: 2018-04-30. Review status: criteria provided, single submitter. Criteria: LabCorp Variant Classification Summary - May 2015. Collection method: clinical testing. Allele origin: germline.
Comment: Variant summary: NF1 c.7491C>G alters a non-conserved nucleotide resulting in a synonymous change. 5/5 computational tools predict no significant impact on normal splicing. However, these predictions have yet to be confirmed by functional studies. The observed variant frequency within African control individuals in the gnomAD database is approximately 3 fold above the estimated maximal expected allele frequency for a pathogenic variant in NF1 causing Neurofibromatosis Type 1 phenotype (0.00021), strongly suggesting that the variant is a benign polymorphism found primarily in populations of African origin. To our knowledge, no occurrence of c.7491C>G in individuals affected with Neurofibromatosis Type 1 and no experimental evidence demonstrating its impact on protein function have been reported. Three clinical diagnostic laboratories have submitted clinical-significance assessments for this variant to ClinVar after 2014 without evidence for independent evaluation. Based on the evidence outlined above, the variant was classified as benign.

Ambry Genetics
Classification: Likely benign for Hereditary cancer-predisposing syndrome. Last evaluated: 2014-08-25. Review status: criteria provided, single submitter. Criteria: Ambry Autosomal Dominant and X-Linked criteria (10/2015). Collection method: clinical testing. Allele origin: germline. Observed: 1 variant allele.
Comment: Synonymous alterations with insufficient evidence to classify as benign

Literature cited by the submitters: PubMed 10678181 (cited by Women's Health and Genetics/Laboratory Corporation of America, LabCorp); PubMed 23460398 (cited by Women's Health and Genetics/Laboratory Corporation of America, LabCorp); PubMed 29872168 (cited by Women's Health and Genetics/Laboratory Corporation of America, LabCorp).

NM_001042492.3(NF1):c.7554C>G (p.Ala2518=)

Gene: NF1 (neurofibromin 1; plus strand). Cytogenetic location: 17q11.2.
Variant type: single nucleotide variant.
Coding change: c.7554C>G on transcript NM_001042492.3 (MANE Select); coding-DNA position 7554, C replaced by G.
Protein change: p.Ala2518=; no amino-acid change (alanine 2518 retained).
Molecular consequence: synonymous variant.
Genome position (GRCh38, 1-based): chr17:31,352,353, C>G. VCF-style: chr17-31352353-C-G. GRCh37 (hg19) VCF-style: chr17-29679371-C-G.
Other names: c.7491C>G, p.Ala2497= (NM_000267.4).
Identifiers: ClinVar variation 184332 (VCV000184332.27), dbSNP rs141897690, ClinGen allele CA188635.